The following is an entry in ClinVar:

ClinVar aggregate classification (germline): Uncertain significance. Review status: criteria provided, multiple submitters, no conflicts (2 of 4 stars). 2 submissions from 2 submitters: Uncertain significance (2). Last evaluated 2025-02-17.

Conditions:
Cardiovascular phenotype. Identifiers: MedGen CN230736.
Arrhythmogenic cardiomyopathy with wooly hair and keratoderma. Also called: PALMOPLANTAR KERATODERMA WITH LEFT VENTRICULAR CARDIOMYOPATHY AND WOOLLY HAIR; Carvajal syndrome; Dilated cardiomyopathy with woolly hair and keratoderma; Arrhythmogenic cardiomyopathy with woolly hair and keratoderma. Identifiers: Orphanet 65282, MedGen C1854063, MONDO:0011581, OMIM 605676.

gnomAD v4.1: 1 of 1,613,492 alleles (0.000062%); highest among the groups gnomAD compares: Middle Eastern, 0.017%; no homozygotes.

Submissions (2):

Molecular Diagnostic Laboratory for Inherited Cardiovascular Disease, Montreal Heart Institute
Classification: Uncertain significance for Cardiovascular phenotype. Last evaluated: 2025-02-17. Review status: criteria provided, single submitter. Criteria: ACMG Guidelines, 2015. Collection method: clinical testing. Allele origin: germline. Affected: yes.

All of Us Research Program, National Institutes of Health
Classification: Uncertain significance for Arrhythmogenic cardiomyopathy with wooly hair and keratoderma. Last evaluated: 2023-12-01. Review status: criteria provided, single submitter. Criteria: ACMG Guidelines, 2015. Collection method: clinical testing. Allele origin: germline. Inheritance: Autosomal dominant inheritance. Observed: 1 variant allele, 1 heterozygote.
Comment: This study involves interpretation of variants in research participants for the purpose of population health screening. Participant phenotype was not available at the time of variant classification. Additional details can be found in publication PMID: 35346344, PMCID: PMC8962531

NM_004415.4(DSP):c.2998C>T (p.His1000Tyr)

Gene: DSP (desmoplakin; plus strand). Cytogenetic location: 6p24.3.
Variant type: single nucleotide variant.
Coding change: c.2998C>T on transcript NM_004415.4 (MANE Select); coding-DNA position 2998, C replaced by T.
Protein change: p.His1000Tyr; replaces histidine 1000 with tyrosine.
Molecular consequence: missense variant.
Genome position (GRCh38, 1-based): chr6:7,578,476, C>T. VCF-style: chr6-7578476-C-T. GRCh37 (hg19) VCF-style: chr6-7578709-C-T.
Other names: c.2998C>T, p.His1000Tyr (NM_001008844.3, NM_001319034.2); c.2998C>T (NM_004415.3); short protein forms H1000Y.
Identifiers: ClinVar variation 3074134 (VCV003074134.2), dbSNP rs2533919631, ClinGen allele CA362682612.